The following is an entry in ClinVar:

NM_021220.4(OVOL2):c.336G>A (p.Thr112=)

Gene: OVOL2 (ovo like zinc finger 2; minus strand). Cytogenetic location: 20p11.23.
Variant type: single nucleotide variant.
Coding change: c.336G>A on transcript NM_021220.4 (MANE Select); coding-DNA position 336, G replaced by A.
Protein change: p.Thr112=; no amino-acid change (threonine 112 retained).
Molecular consequence: synonymous variant. On other transcripts: 5 prime UTR variant (2).
Genome position (GRCh38, 1-based): chr20:18,041,709, C>T on the plus strand (G>A on the coding strand, the complement: OVOL2 is on the minus strand). VCF-style: chr20-18041709-C-T. GRCh37 (hg19) VCF-style: chr20-18022353-C-T.
Other names: c.-61G>A (NM_001303461.1, NM_001303462.1).
Identifiers: ClinVar variation 3351693 (VCV003351693.1).

ClinVar aggregate classification (germline): Likely benign (0 of 4 stars; one submission).

Conditions:
OVOL2-related disorder. Also called: OVOL2-related condition.

gnomAD v4.1: 31 of 1,612,692 alleles (0.0019%); highest among the groups gnomAD compares: Middle Eastern, 0.017%; no homozygotes.

Submission:

PreventionGenetics, part of Exact Sciences
Classification: Likely benign for OVOL2-related condition. Last evaluated: 2019-07-12. Review status: no assertion criteria provided. Collection method: clinical testing. Allele origin: germline.
Comment: This variant is classified as likely benign based on ACMG/AMP sequence variant interpretation guidelines (Richards et al. 2015 PMID: 25741868, with internal and published modifications).